The following is an entry in ClinVar:

ClinVar aggregate classification (germline): Benign/Likely benign. Review status: criteria provided, multiple submitters, no conflicts (2 of 4 stars). 7 submissions from 7 submitters: Benign (5); Likely benign (2). Last evaluated 2026-05-04.

Conditions:
Joubert syndrome 23 (JBTS23). Identifiers: Orphanet 475, MedGen C4084822, MONDO:0014664, OMIM 616490.
Short-rib thoracic dysplasia 14 with polydactyly (SRTD14). Identifiers: Orphanet 397715, MedGen C4225286, MONDO:0014688, OMIM 616546.

Allele frequency attached by ClinVar (database versions not stated): gnomAD exomes 0.00057 and 0.00159; ExAC 0.00202; gnomAD 0.00653 and 0.00689; ESP Exome Variant Server 0.00665; TOPMed 0.00705; 1000 Genomes Project 30x 0.00874; 1000 Genomes Project 0.00879.
gnomAD v4.1: 1,835 of 1,589,204 alleles (0.12%); highest among the groups gnomAD compares: African/African-American, 2.3%; 17 homozygotes.

Submissions (7):

Women's Health and Genetics/Laboratory Corporation of America, LabCorp
Classification: Likely benign. Last evaluated: 2026-05-04. Review status: criteria provided, single submitter. Criteria: LabCorp Variant Classification Summary - May 2015. Collection method: clinical testing. Allele origin: germline.

Labcorp Genetics (formerly Invitae), Labcorp
Classification: Benign for Joubert syndrome 23; Short-rib thoracic dysplasia 14 with polydactyly. Last evaluated: 2026-02-01. Review status: criteria provided, single submitter. Criteria: Invitae Variant Classification Sherloc (09022015). Collection method: clinical testing. Allele origin: germline.

CeGaT Center for Human Genetics Tuebingen
Classification: Benign. Last evaluated: 2025-07-01. Review status: criteria provided, single submitter. Criteria: CeGaT Center For Human Genetics Tuebingen Variant Classification Criteria Version 2. Collection method: clinical testing. Allele origin: germline. Affected: yes. Observed: 2 variant alleles.
Comment: KIAA0586: PP3, BS1, BS2

Blueprint Genetics
Classification: Likely benign. Last evaluated: 2024-09-02. Review status: criteria provided, single submitter. Criteria: ACMG Guidelines, 2015. Collection method: clinical testing. Allele origin: germline.

Mendelics
Classification: Benign for Joubert syndrome 23. Last evaluated: 2019-05-28. Review status: criteria provided, single submitter. Criteria: Mendelics Assertion Criteria 2017. Collection method: clinical testing. Allele origin: unknown.

GeneDx
Classification: Benign. Last evaluated: 2019-05-17. Review status: criteria provided, single submitter. Criteria: GeneDx Variant Classification Process June 2021. Collection method: clinical testing. Allele origin: germline. Affected: yes.
Comment: This variant is associated with the following publications: (PMID: 26026149)

Breakthrough Genomics
Classification: Benign. Review status: criteria provided, single submitter. Criteria: ACMG Guidelines, 2015. Collection method: not provided. Allele origin: germline. Inheritance: Autosomal recessive inheritance. Affected: yes.

NM_001329943.3(KIAA0586):c.257T>C (p.Met86Thr)

Gene: KIAA0586 (KIAA0586; plus strand). Cytogenetic location: 14q23.1.
Variant type: single nucleotide variant.
Coding change: c.257T>C on transcript NM_001329943.3 (MANE Select); coding-DNA position 257, T replaced by C.
Protein change: p.Met86Thr; replaces methionine 86 with threonine.
Molecular consequence: missense variant. On other transcripts: initiator codon variant (5).
Genome position (GRCh38, 1-based): chr14:58,429,420, T>C. VCF-style: chr14-58429420-T-C. GRCh37 (hg19) VCF-style: chr14-58896138-T-C.
Other names: c.293T>C, p.Met98Thr (NM_001244189.2); c.212T>C, p.Met71Thr (NM_001244190.2); c.2T>C, p.Met1Thr (NM_001244191.2, NM_001244192.2, NM_001329945.2 and 2 more transcripts); c.257T>C, p.Met86Thr (NM_001329944.2, NM_001329946.2, NM_001329947.2 and 1 more transcripts); short protein forms M71T, M86T, M1T, M98T.
Identifiers: ClinVar variation 707460 (VCV000707460.42), dbSNP rs74055693, ClinGen allele CA7205308.